The following is an entry in ClinVar:

ClinVar aggregate classification (germline): Uncertain significance. Review status: criteria provided, multiple submitters, no conflicts (2 of 4 stars). 2 submissions from 2 submitters: Uncertain significance (2). Last evaluated 2026-07-22.

Conditions:
Adenylosuccinate lyase deficiency (ADSLD). Also called: ADSL DEFICIENCY. Identifiers: Orphanet 46, MedGen C0268126, MONDO:0007068, OMIM 103050.

Allele frequency attached by ClinVar (database versions not stated): ExAC 0.00001; gnomAD exomes 0.00001 and 0.00004; TOPMed 0.00003; gnomAD 0.00004 and 0.00003.
gnomAD v4.1: 60 of 1,613,982 alleles (0.0037%); highest among the groups gnomAD compares: Non-Finnish European, 0.0047%; no homozygotes.

Submissions (2):

GeneDx
Classification: Uncertain significance. Last evaluated: 2026-07-22. Review status: criteria provided, single submitter. Criteria: GeneDx Variant Classification Process June 2021. Collection method: clinical testing. Allele origin: germline.
Comment: Published functional studies suggest this variant is associated with residual enzyme activity (PMID: 42019493); In silico analysis suggests that this missense variant does not alter protein structure/function; Not observed at significant frequency in large population cohorts (gnomAD); This variant is associated with the following publications: (PMID: 42019493)

Labcorp Genetics (formerly Invitae), Labcorp
Classification: Uncertain significance for Adenylosuccinate lyase deficiency. Last evaluated: 2023-05-26. Review status: criteria provided, single submitter. Criteria: Invitae Variant Classification Sherloc (09022015). Collection method: clinical testing. Allele origin: germline.
Comment: In summary, the available evidence is currently insufficient to determine the role of this variant in disease. Therefore, it has been classified as a Variant of Uncertain Significance. Advanced modeling of protein sequence and biophysical properties (such as structural, functional, and spatial information, amino acid conservation, physicochemical variation, residue mobility, and thermodynamic stability) performed at Invitae indicates that this missense variant is not expected to disrupt ADSL protein function. ClinVar contains an entry for this variant (Variation ID: 391918). This variant has not been reported in the literature in individuals affected with ADSL-related conditions. This variant is present in population databases (rs758241731, gnomAD 0.002%). This sequence change replaces isoleucine, which is neutral and non-polar, with valine, which is neutral and non-polar, at codon 427 of the ADSL protein (p.Ile427Val).

NM_000026.4(ADSL):c.1279A>G (p.Ile427Val)

Gene: ADSL (adenylosuccinate lyase; plus strand). Cytogenetic location: 22q13.1.
Variant type: single nucleotide variant.
Coding change: c.1279A>G on transcript NM_000026.4 (MANE Select); coding-DNA position 1279, A replaced by G.
Protein change: p.Ile427Val; replaces isoleucine 427 with valine.
Molecular consequence: missense variant. On other transcripts: non-coding transcript variant (1), intron variant (1).
Genome position (GRCh38, 1-based): chr22:40,364,967, A>G. VCF-style: chr22-40364967-A-G. GRCh37 (hg19) VCF-style: chr22-40760971-A-G.
Other names: c.1087A>G, p.Ile363Val (NM_001317923.2); c.1279A>G, p.Ile427Val (NM_001363840.3); c.1191+602A>G (NM_001123378.3); short protein forms I427V, I363V.
Identifiers: ClinVar variation 391918 (VCV000391918.11), dbSNP rs758241731, ClinGen allele CA10247974.